The following is an entry in ClinVar:

ClinVar aggregate classification (germline): Uncertain significance. Review status: criteria provided, multiple submitters, no conflicts (2 of 4 stars). 2 submissions from 2 submitters: Uncertain significance (2). Last evaluated 2025-04-02.

Conditions:
Cardiovascular phenotype. Identifiers: MedGen CN230736.
Brugada syndrome 4 (BRGDA4). Identifiers: Orphanet 130, MedGen C2678477, MONDO:0012743, OMIM 611876.

Allele frequency attached by ClinVar (database versions not stated): gnomAD 0.00001; ExAC 0.00001; TOPMed 0.00002; gnomAD exomes 0.00002; ESP Exome Variant Server 0.00015.
gnomAD v4.1: 10 of 1,613,828 alleles (0.00062%); highest among the groups gnomAD compares: African/African-American, 0.0013%; no homozygotes.

Submissions (2):

Ambry Genetics
Classification: Uncertain significance for Cardiovascular phenotype. Last evaluated: 2025-04-02. Review status: criteria provided, single submitter. Criteria: Ambry Variant Classification Scheme 2023. Collection method: clinical testing. Allele origin: germline.
Comment: The p.A529P variant (also known as c.1585G>C), located in coding exon 13 of the CACNB2 gene, results from a G to C substitution at nucleotide position 1585. The alanine at codon 529 is replaced by proline, an amino acid with highly similar properties. This amino acid position is conserved. In addition, the in silico prediction for this alteration is inconclusive. Since supporting evidence is limited at this time, the clinical significance of this alteration remains unclear.

Labcorp Genetics (formerly Invitae), Labcorp
Classification: Uncertain significance for Brugada syndrome 4. Last evaluated: 2024-04-01. Review status: criteria provided, single submitter. Criteria: Invitae Variant Classification Sherloc (09022015). Collection method: clinical testing. Allele origin: germline.
Comment: This sequence change replaces alanine, which is neutral and non-polar, with proline, which is neutral and non-polar, at codon 529 of the CACNB2 protein (p.Ala529Pro). This variant is present in population databases (rs373826838, gnomAD 0.007%). This variant has not been reported in the literature in individuals affected with CACNB2-related conditions. ClinVar contains an entry for this variant (Variation ID: 537372). Advanced modeling of protein sequence and biophysical properties (such as structural, functional, and spatial information, amino acid conservation, physicochemical variation, residue mobility, and thermodynamic stability) performed at Invitae indicates that this missense variant is not expected to disrupt CACNB2 protein function with a negative predictive value of 80%. In summary, the available evidence is currently insufficient to determine the role of this variant in disease. Therefore, it has been classified as a Variant of Uncertain Significance.

NM_201596.3(CACNB2):c.1747G>C (p.Ala583Pro)

Gene: CACNB2 (calcium voltage-gated channel auxiliary subunit beta 2; plus strand). Cytogenetic location: 10p12.31.
Variant type: single nucleotide variant.
Coding change: c.1747G>C on transcript NM_201596.3 (MANE Select); coding-DNA position 1747, G replaced by C.
Protein change: p.Ala583Pro; replaces alanine 583 with proline.
Molecular consequence: missense variant.
Genome position (GRCh38, 1-based): chr10:18,539,488, G>C. VCF-style: chr10-18539488-G-C. GRCh37 (hg19) VCF-style: chr10-18828417-G-C.
Other names: c.1582G>C, p.Ala528Pro (NM_000724.4); c.1549G>C, p.Ala517Pro (NM_001167945.2); c.1468G>C, p.Ala490Pro (NM_001330060.2); c.1603G>C, p.Ala535Pro (NM_201570.3); c.1663G>C, p.Ala555Pro (NM_201571.4); c.1591G>C, p.Ala531Pro (NM_201572.4); c.1585G>C, p.Ala529Pro (NM_201590.3); c.1633G>C, p.Ala545Pro (NM_201593.3); and 1 more; short protein forms A583P, A529P, A490P, A528P, A545P, A517P, A535P, A559P.
Identifiers: ClinVar variation 537372 (VCV000537372.9), dbSNP rs373826838, ClinGen allele CA5430153.